The following is an entry in ClinVar:

NM_000214.3(JAG1):c.3289C>T (p.Arg1097Trp)

Gene: JAG1 (jagged canonical Notch ligand 1; minus strand). Cytogenetic location: 20p12.2.
Variant type: single nucleotide variant.
Coding change: c.3289C>T on transcript NM_000214.3 (MANE Select); coding-DNA position 3289, C replaced by T.
Protein change: p.Arg1097Trp; replaces arginine 1097 with tryptophan.
Molecular consequence: missense variant.
Genome position (GRCh38, 1-based): chr20:10,639,866, G>A on the plus strand (C>T on the coding strand, the complement: JAG1 is on the minus strand). VCF-style: chr20-10639866-G-A. GRCh37 (hg19) VCF-style: chr20-10620514-G-A.
Other names: c.3289C>T, p.Arg1097Trp (LRG_1191t1); short protein forms R1097W.
Identifiers: ClinVar variation 213545 (VCV000213545.20), dbSNP rs768554175, ClinGen allele CA324149.

ClinVar aggregate classification (germline): Uncertain significance. Review status: criteria provided, multiple submitters, no conflicts (2 of 4 stars). 6 submissions from 6 submitters: Uncertain significance (5). 1 of the submissions does not count toward it. Last evaluated 2026-05-12.

Conditions:
JAG1-related disorder. Also called: JAG1-related condition; JAG1-related disorders.
Alagille syndrome due to a JAG1 point mutation. Also called: HEPATIC DUCTULAR HYPOPLASIA, SYNDROMATIC; JAG1-Related Alagille Syndrome; Alagille Syndrome 1. Identifiers: Orphanet 261619, Orphanet 52, MedGen C1956125, MONDO:0016862, OMIM 118450.
Charcot-Marie-Tooth disease, axonal, Type 2HH. Also called: CHARCOT-MARIE-TOOTH NEUROPATHY, TYPE 2HH. Identifiers: MedGen C5562003, MONDO:0030458, OMIM 619574.
Tetralogy of Fallot (TOF). Identifiers: Orphanet 3303, MedGen C0039685, MONDO:0008542, OMIM 187500, HP:0001636.
Deafness, congenital heart defects, and posterior embryotoxon (DCHE). Identifiers: MedGen C1866053, MONDO:0060713, OMIM 617992.

Allele frequency attached by ClinVar (database versions not stated): gnomAD 0.00003; gnomAD exomes 0.00003; TOPMed 0.00003; ExAC 0.00004.
gnomAD v4.1: 59 of 1,614,000 alleles (0.0037%); highest among the groups gnomAD compares: Middle Eastern, 0.016%; no homozygotes.

Submissions (6):

PreventionGenetics, part of Exact Sciences
Classification: Uncertain significance for JAG1-related condition. Last evaluated: 2026-05-12. Review status: criteria provided, single submitter. Criteria: ACMG Guidelines, 2015. Collection method: clinical testing. Allele origin: germline.
Comment: The JAG1 c.3289C>T variant is predicted to result in the amino acid substitution p.Arg1097Trp. This variant has been reported in an individual with Alagille syndrome and in a mildly affected parent (Marchetti et al. 2009. PubMed ID: 19694044). This variant is present in 0.0054% of alleles in individuals of European (Non-Finnish) descent in gnomAD. At this time, the clinical significance of this variant is uncertain due to the absence of conclusive functional and genetic evidence.

CeGaT Center for Human Genetics Tuebingen
Classification: Uncertain significance. Last evaluated: 2025-09-01. Review status: criteria provided, single submitter. Criteria: CeGaT Center For Human Genetics Tuebingen Variant Classification Criteria Version 2. Collection method: clinical testing. Allele origin: germline. Affected: yes. Observed: 1 variant allele.

Labcorp Genetics (formerly Invitae), Labcorp
Classification: Uncertain significance for Alagille syndrome due to a JAG1 point mutation. Last evaluated: 2025-06-11. Review status: criteria provided, single submitter. Criteria: Invitae Variant Classification Sherloc (09022015). Collection method: clinical testing. Allele origin: germline.
Comment: This sequence change replaces arginine, which is basic and polar, with tryptophan, which is neutral and slightly polar, at codon 1097 of the JAG1 protein (p.Arg1097Trp). This variant is present in population databases (rs768554175, gnomAD 0.005%). This variant has not been reported in the literature in individuals affected with JAG1-related conditions. ClinVar contains an entry for this variant (Variation ID: 213545). Invitae Evidence Modeling of protein sequence and biophysical properties (such as structural, functional, and spatial information, amino acid conservation, physicochemical variation, residue mobility, and thermodynamic stability) has been performed for this missense variant. However, the output from this modeling did not meet the statistical confidence thresholds required to predict the impact of this variant on JAG1 protein function. In summary, the available evidence is currently insufficient to determine the role of this variant in disease. Therefore, it has been classified as a Variant of Uncertain Significance.

Women's Health and Genetics/Laboratory Corporation of America, LabCorp
Classification: Uncertain significance. Last evaluated: 2025-02-13. Review status: criteria provided, single submitter. Criteria: LabCorp Variant Classification Summary - May 2015. Collection method: clinical testing. Allele origin: germline.
Comment: Variant summary: JAG1 c.3289C>T (p.Arg1097Trp) results in a non-conservative amino acid change in the encoded protein sequence. Five of five in-silico tools predict a damaging effect of the variant on protein function. The variant allele was found at a frequency of 3.2e-05 in 251080 control chromosomes. The available data on variant occurrences in the general population are insufficient to allow any conclusion about variant significance. c.3289C>T has been reported in the literature in a mother and a proband affected with features of Alagille Syndrome 1 (e.g., Marchetti_2009). These report(s) do not provide unequivocal conclusions about association of the variant with Alagille Syndrome 1. To our knowledge, no experimental evidence demonstrating an impact on protein function has been reported. ClinVar contains an entry for this variant (Variation ID: 213545). Based on the evidence outlined above, the variant was classified as uncertain significance.

Fulgent Genetics
Classification: Uncertain significance for Alagille syndrome due to a JAG1 point mutation; Tetralogy of Fallot; Deafness, congenital heart defects, and posterior embryotoxon; Charcot-Marie-Tooth disease, axonal, Type 2HH. Last evaluated: 2021-09-22. Review status: criteria provided, single submitter. Criteria: ACMG Guidelines, 2015. Collection method: clinical testing. Allele origin: unknown.

Gharavi Laboratory, Columbia University
Classification: Uncertain significance. Last evaluated: 2018-09-16. Review status: no assertion criteria provided. Criteria: ACMG Guidelines, 2015. Collection method: research. Allele origin: germline. Affected: no. Not counted in ClinVar's aggregate classification.